The following is an entry in ClinVar:

NM_000642.3(AGL):c.664+150T>C

Gene: AGL (amylo-alpha-1,6-glucosidase and 4-alpha-glucanotransferase; plus strand). Cytogenetic location: 1p21.2.
Variant type: single nucleotide variant.
Coding change: c.664+150T>C on transcript NM_000642.3 (MANE Select); 150 bases into the intron after coding-DNA position 664, T replaced by C.
Molecular consequence: intron variant.
Genome position (GRCh38, 1-based): chr1:99,864,739, T>C. VCF-style: chr1-99864739-T-C. GRCh37 (hg19) VCF-style: chr1-100330295-T-C.
Other names: c.664+150T>C (NM_000643.3, NM_000644.3, NM_001425326.1 and 3 more transcripts); c.616+150T>C (NM_000646.3); c.460+2316T>C (NM_001425328.1, NM_001425329.1); c.286+150T>C (NM_001425332.1).
Identifiers: ClinVar variation 677943 (VCV000677943.1), dbSNP rs539157, ClinGen allele CA27563668.

ClinVar aggregate classification (germline): Benign (1 of 4 stars; one submission).

Allele frequency attached by ClinVar (database versions not stated): gnomAD exomes 0.70682; gnomAD 0.75963 and 0.76296; 1000 Genomes Project 0.76358; TOPMed 0.76706; 1000 Genomes Project 30x 0.76718.

Submission:

GeneDx
Classification: Benign. Last evaluated: 2018-06-19. Review status: criteria provided, single submitter. Criteria: GeneDx Variant Classification (06012015). Collection method: clinical testing. Allele origin: germline. Affected: yes.
Comment: This variant is considered likely benign or benign based on one or more of the following criteria: it is a conservative change, it occurs at a poorly conserved position in the protein, it is predicted to be benign by multiple in silico algorithms, and/or has population frequency not consistent with disease.